The following is an entry in ClinVar:

ClinVar aggregate classification (germline): Uncertain significance (1 of 4 stars; one submission).

Conditions:
Brugada syndrome 8 (BRGDA8). Identifiers: Orphanet 130, MedGen C2751083, MONDO:0013148, OMIM 613123.

Submission:

Labcorp Genetics (formerly Invitae), Labcorp
Classification: Uncertain significance for Brugada syndrome 8. Last evaluated: 2022-07-06. Review status: criteria provided, single submitter. Criteria: Invitae Variant Classification Sherloc (09022015). Collection method: clinical testing. Allele origin: germline.
Comment: In summary, the available evidence is currently insufficient to determine the role of this variant in disease. Therefore, it has been classified as a Variant of Uncertain Significance. Advanced modeling of protein sequence and biophysical properties (such as structural, functional, and spatial information, amino acid conservation, physicochemical variation, residue mobility, and thermodynamic stability) performed at Invitae indicates that this missense variant is not expected to disrupt HCN4 protein function. ClinVar contains an entry for this variant (Variation ID: 1505528). This variant has not been reported in the literature in individuals affected with HCN4-related conditions. This variant is not present in population databases (gnomAD no frequency). This sequence change replaces arginine, which is basic and polar, with cysteine, which is neutral and slightly polar, at codon 207 of the HCN4 protein (p.Arg207Cys).

NM_005477.3(HCN4):c.619C>T (p.Arg207Cys)

Gene: HCN4 (hyperpolarization activated cyclic nucleotide gated potassium channel 4; minus strand). Cytogenetic location: 15q24.1.
Variant type: single nucleotide variant.
Coding change: c.619C>T on transcript NM_005477.3 (MANE Select); coding-DNA position 619, C replaced by T.
Protein change: p.Arg207Cys; replaces arginine 207 with cysteine.
Molecular consequence: missense variant.
Genome position (GRCh38, 1-based): chr15:73,367,652, G>A on the plus strand (C>T on the coding strand, the complement: HCN4 is on the minus strand). VCF-style: chr15-73367652-G-A. GRCh37 (hg19) VCF-style: chr15-73659993-G-A.
Other names: short protein forms R207C.
Identifiers: ClinVar variation 1505528 (VCV001505528.8), dbSNP rs2151228416, ClinGen allele CA393097450.